The following is an entry in ClinVar:

NM_001347721.2(DYRK1A):c.1583del (p.His528fs)

Gene: DYRK1A (dual specificity tyrosine phosphorylation regulated kinase 1A; plus strand). Cytogenetic location: 21q22.13.
Variant type: Deletion.
Coding change: c.1583del on transcript NM_001347721.2 (MANE Select); coding-DNA position 1583, one base deleted (A; older notation c.1583delA).
Protein change: p.His528fs; shifts the reading frame from histidine 528.
Molecular consequence: frameshift variant. On other transcripts: intron variant (1).
Genome position (GRCh38, 1-based): chr21:37,506,162, A deleted. VCF-style (leftmost placement, unchanged base first): chr21-37506161-CA-C. GRCh37 (hg19) VCF-style: chr21-38878464-CA-C.
Other names: c.1583del, p.His528fs (NM_001347722.2, NM_130436.2); c.1496del, p.His499fs (NM_001347723.2); c.1610del, p.His537fs (NM_001396.5, NM_101395.2); c.1546+573del (NM_130438.2); short protein forms H537fs, H528fs, H499fs.
Identifiers: ClinVar variation 641967 (VCV000641967.9), dbSNP rs1601319086, ClinGen allele CA915952632.

ClinVar aggregate classification (germline): Pathogenic (1 of 4 stars; one submission).

Conditions:
DYRK1A-related intellectual disability syndrome (MRD7). Also called: DYRK1A Syndrome; Intellectual developmental disorder, autosomal dominant 7. Identifiers: Orphanet 464306, MedGen C5568143, MONDO:0013578, OMIM 614104.

Submission:

Labcorp Genetics (formerly Invitae), Labcorp
Classification: Pathogenic for DYRK1A-related intellectual disability syndrome. Last evaluated: 2022-05-06. Review status: criteria provided, single submitter. Criteria: Invitae Variant Classification Sherloc (09022015). Collection method: clinical testing. Allele origin: germline.
Comment: This variant is not present in population databases (gnomAD no frequency). For these reasons, this variant has been classified as Pathogenic. This variant disrupts a region of the DYRK1A protein in which other variant(s) (p.Gln576*) have been determined to be pathogenic (Invitae). This suggests that this is a clinically significant region of the protein, and that variants that disrupt it are likely to be disease-causing. ClinVar contains an entry for this variant (Variation ID: 641967). This premature translational stop signal has been observed in individual(s) with DYRK1A-related conditions (Invitae). This sequence change creates a premature translational stop signal (p.His537Profs*55) in the DYRK1A gene. While this is not anticipated to result in nonsense mediated decay, it is expected to disrupt the last 227 amino acid(s) of the DYRK1A protein.